The following is an entry in ClinVar:

ClinVar aggregate classification (germline): Uncertain significance (1 of 4 stars; one submission).

gnomAD v4.1: 1 of 1,612,478 alleles (0.000062%); highest among the groups gnomAD compares: Non-Finnish European, 0.000085%; no homozygotes.

Submission:

Labcorp Genetics (formerly Invitae), Labcorp
Classification: Uncertain significance. Last evaluated: 2023-12-11. Review status: criteria provided, single submitter. Criteria: Invitae Variant Classification Sherloc (09022015). Collection method: clinical testing. Allele origin: germline.
Comment: This sequence change replaces aspartic acid, which is acidic and polar, with asparagine, which is neutral and polar, at codon 454 of the ATP5A1 protein (p.Asp454Asn). This variant is not present in population databases (gnomAD no frequency). This variant has not been reported in the literature in individuals affected with ATP5A1-related conditions. Advanced modeling of protein sequence and biophysical properties (such as structural, functional, and spatial information, amino acid conservation, physicochemical variation, residue mobility, and thermodynamic stability) has been performed at Invitae for this missense variant, however the output from this modeling did not meet the statistical confidence thresholds required to predict the impact of this variant on ATP5A1 protein function. In summary, the available evidence is currently insufficient to determine the role of this variant in disease. Therefore, it has been classified as a Variant of Uncertain Significance.

NM_004046.6(ATP5F1A):c.1360G>A (p.Asp454Asn)

Gene: ATP5F1A (ATP synthase F1 subunit alpha; minus strand). Cytogenetic location: 18q21.1.
Variant type: single nucleotide variant.
Coding change: c.1360G>A on transcript NM_004046.6 (MANE Select); coding-DNA position 1360, G replaced by A.
Protein change: p.Asp454Asn; replaces aspartic acid 454 with asparagine.
Molecular consequence: missense variant.
Genome position (GRCh38, 1-based): chr18:46,086,182, C>T on the plus strand (G>A on the coding strand, the complement: ATP5F1A is on the minus strand). VCF-style: chr18-46086182-C-T. GRCh37 (hg19) VCF-style: chr18-43666148-C-T.
Other names: c.1210G>A, p.Asp404Asn (NM_001001935.3, NM_001257335.2); c.1360G>A, p.Asp454Asn (NM_001001937.2); c.1294G>A, p.Asp432Asn (NM_001257334.2); short protein forms D404N, D454N, D432N.
Identifiers: ClinVar variation 2991472 (VCV002991472.3), dbSNP rs374742618, ClinGen allele CA402363846.